The following is an entry in ClinVar:

ClinVar aggregate classification (germline): Uncertain significance (1 of 4 stars; one submission).

Conditions:
Wiedemann-Steiner syndrome (WDSTS). Also called: Growth deficiency and mental retardation with facial dysmorphism. Identifiers: Orphanet 319182, MedGen C1854630, MONDO:0011518, OMIM 605130.

Submission:

Victorian Clinical Genetics Services, Murdoch Childrens Research Institute
Classification: Uncertain significance for Wiedemann-Steiner syndrome. Last evaluated: 2020-05-21. Review status: criteria provided, single submitter. Criteria: ACMG Guidelines, 2015. Collection method: clinical testing. Allele origin: germline. Inheritance: Autosomal dominant inheritance. Affected: yes.
Comment: A heterozygous missense variant was identified, NM_001197104.1(KMT2A):c.526C>T in exon 3 of 36 of the KMT2A gene. This substitution is predicted to create a major amino acid change from arginine to cysteine at position 176 of the protein, NP_001184033.1(KMT2A):p.(Arg176Cys). The arginine at this position has very high conservation (100 vertebrates, UCSC), and is located within the AT hook motif DNA binding region. In silico software predicts this variant to be disease causing (Polyphen, SIFT, CADD, Mutation Taster). The variant is not present in the gnomAD population database. The variant has not been previously reported in a clinical testing setting. Based on information available at the time of curation, this variant has been classified as a VARIANT of UNCERTAIN SIGNIFICANCE (VUS).

NM_001197104.2(KMT2A):c.526C>T (p.Arg176Cys)

Gene: KMT2A (lysine methyltransferase 2A; plus strand). Cytogenetic location: 11q23.3.
Variant type: single nucleotide variant.
Coding change: c.526C>T on transcript NM_001197104.2 (MANE Select); coding-DNA position 526, C replaced by T.
Protein change: p.Arg176Cys; replaces arginine 176 with cysteine.
Molecular consequence: missense variant.
Genome position (GRCh38, 1-based): chr11:118,471,685, C>T. VCF-style: chr11-118471685-C-T. GRCh37 (hg19) VCF-style: chr11-118342400-C-T.
Other names: c.625C>T, p.Arg209Cys (NM_001412597.1); c.526C>T, p.Arg176Cys (NM_005933.4); short protein forms R176C, R209C.
Identifiers: ClinVar variation 1806048 (VCV001806048.1), dbSNP rs2134257148, ClinGen allele CA382806533.